The following is an entry in ClinVar:

NM_152564.5(VPS13B):c.5539_5540del (p.Lys1847fs)

Gene: VPS13B (vacuolar protein sorting 13 homolog B; plus strand). Cytogenetic location: 8q22.2.
Variant type: Deletion.
Coding change: c.5539_5540del on transcript NM_152564.5 (MANE Select); coding-DNA positions 5539 to 5540, 2 bases deleted (AA; older notation c.5539_5540delAA).
Protein change: p.Lys1847fs; shifts the reading frame from lysine 1847.
Molecular consequence: frameshift variant.
Genome position (GRCh38, 1-based): chr8:99,642,129-99,642,130, AA deleted. VCF-style (leftmost placement, unchanged base first): chr8-99642128-CAA-C. GRCh37 (hg19) VCF-style: chr8-100654356-CAA-C.
Other names: c.5614_5615del (NM_017890.3); c.5614_5615del, p.Lys1872fs (NM_017890.5); c.5539_5540delAA (NM_152564.4); short protein forms K1847fs, K1872fs.
Identifiers: ClinVar variation 1075529 (VCV001075529.8), dbSNP rs1829394659, ClinGen allele CA1117112448.

ClinVar aggregate classification (germline): Pathogenic/Likely pathogenic. Review status: criteria provided, multiple submitters, no conflicts (2 of 4 stars). 3 submissions from 3 submitters: Pathogenic (2); Likely pathogenic (1). Last evaluated 2026-04-20.

Conditions:
VPS13B-related disorder. Also called: VPS13B-related condition.
Cohen syndrome (COH1). Also called: Cutis verticis gyrata, retinitis pigmentosa, and sensorineural deafness; PEPPER SYNDROME. Identifiers: Orphanet 193, MedGen C0265223, MONDO:0008999, OMIM 216550.

Allele frequency attached by ClinVar (database versions not stated): gnomAD exomes below 0.00001; gnomAD 0.00001.

Submissions (3):

PreventionGenetics, part of Exact Sciences
Classification: Likely pathogenic for VPS13B-related condition. Last evaluated: 2026-04-20. Review status: criteria provided, single submitter. Criteria: ACMG Guidelines, 2015. Collection method: clinical testing. Allele origin: germline.
Comment: The VPS13B c.5539_5540delAA variant is predicted to result in a frameshift and premature protein termination (p.Lys1847Glufs*9). To our knowledge, this variant has not been reported in the literature or in a large population database (gnomAD), indicating this variant is rare. Frameshift variants in VPS13B are expected to be pathogenic. This variant is interpreted as likely pathogenic.

GeneDx
Classification: Pathogenic. Last evaluated: 2023-09-30. Review status: criteria provided, single submitter. Criteria: GeneDx Variant Classification Process June 2021. Collection method: clinical testing. Allele origin: germline. Affected: yes.
Comment: Frameshift variant predicted to result in protein truncation or nonsense mediated decay in a gene for which loss-of-function is a known mechanism of disease; Not observed at significant frequency in large population cohorts (gnomAD); Has not been previously published as pathogenic or benign to our knowledge; This variant is associated with the following publications: (PMID: 20461111, 16648375, 15141358)

Labcorp Genetics (formerly Invitae), Labcorp
Classification: Pathogenic for Cohen syndrome. Last evaluated: 2021-05-28. Review status: criteria provided, single submitter. Criteria: Invitae Variant Classification Sherloc (09022015). Collection method: clinical testing. Allele origin: germline.
Comment: This variant is not present in population databases (ExAC no frequency). This sequence change creates a premature translational stop signal (p.Lys1872Glufs*9) in the VPS13B gene. It is expected to result in an absent or disrupted protein product. Loss-of-function variants in VPS13B are known to be pathogenic (PMID: 15141358, 16648375, 20461111). This variant has not been reported in the literature in individuals with VPS13B-related conditions. ClinVar contains an entry for this variant (Variation ID: 1075529). For these reasons, this variant has been classified as Pathogenic.

Literature cited by the submitters: PubMed 15141358 (cited by Labcorp Genetics (formerly Invitae), Labcorp); PubMed 16648375 (cited by Labcorp Genetics (formerly Invitae), Labcorp); PubMed 20461111 (cited by Labcorp Genetics (formerly Invitae), Labcorp).